The following is an entry in ClinVar:

ClinVar aggregate classification (germline): Likely benign (0 of 4 stars; one submission).

Conditions:
GALC-related disorder. Also called: GALC-related condition.

Allele frequency attached by ClinVar (database versions not stated): TOPMed below 0.00001.
gnomAD v4.1: 1 of 1,535,846 alleles (0.000065%); highest among the groups gnomAD compares: Admixed American, 0.002%; no homozygotes.

Submission:

PreventionGenetics, part of Exact Sciences
Classification: Likely benign for GALC-related condition. Last evaluated: 2021-02-08. Review status: no assertion criteria provided. Collection method: clinical testing. Allele origin: germline.
Comment: This variant is classified as likely benign based on ACMG/AMP sequence variant interpretation guidelines (Richards et al. 2015 PMID: 25741868, with internal and published modifications).

NM_001201402.2(GALC):c.81A>G (p.Lys27=)

Gene: GALC (galactosylceramidase; minus strand). Cytogenetic location: 14q31.3.
Variant type: single nucleotide variant.
Coding change: c.81A>G on transcript NM_001201402.2; coding-DNA position 81, A replaced by G.
Protein change: p.Lys27=; no amino-acid change (lysine 27 retained).
Molecular consequence: synonymous variant. On other transcripts: 5 prime UTR variant (1).
Genome position (GRCh38, 1-based): chr14:87,993,419, T>C on the plus strand (A>G on the coding strand, the complement: GALC is on the minus strand). VCF-style: chr14-87993419-T-C. GRCh37 (hg19) VCF-style: chr14-88459763-T-C.
Other names: c.-509A>G (NM_001424076.1).
Identifiers: ClinVar variation 3030357 (VCV003030357.2), dbSNP rs1383648584, ClinGen allele CA615671119.